The following is an entry in ClinVar:

NM_004329.3(BMPR1A):c.869-4A>C

Gene: BMPR1A (bone morphogenetic protein receptor type 1A; plus strand). Cytogenetic location: 10q23.2.
Variant type: single nucleotide variant.
Coding change: c.869-4A>C on transcript NM_004329.3 (MANE Select); 4 bases into the intron before coding-DNA position 869, A replaced by C.
Molecular consequence: intron variant.
Genome position (GRCh38, 1-based): chr10:86,919,168, A>C. VCF-style: chr10-86919168-A-C. GRCh37 (hg19) VCF-style: chr10-88678925-A-C.
Identifiers: ClinVar variation 482852 (VCV000482852.26), dbSNP rs964020576, ClinGen allele CA211208496.

ClinVar aggregate classification (germline): Conflicting classifications of pathogenicity. Review status: criteria provided, conflicting classifications (1 of 4 stars). 7 submissions from 7 submitters: Uncertain significance (3); Likely benign (4). Last evaluated 2026-01-20.

Conditions:
Hereditary cancer-predisposing syndrome. Also called: Hereditary neoplastic syndrome; Neoplastic Syndromes, Hereditary; Tumor predisposition; Hereditary Cancer Syndrome. Identifiers: Orphanet 140162, MedGen C0027672, MeSH D009386, MONDO:0015356.
Juvenile polyposis syndrome (JPS). Identifiers: Orphanet 2929, MedGen C0345893, MONDO:0017380, OMIM 174900.

Allele frequency attached by ClinVar (database versions not stated): gnomAD exomes below 0.00001; gnomAD 0.00001; TOPMed 0.00001.
gnomAD v4.1: 3 of 1,613,686 alleles (0.00019%); highest among the groups gnomAD compares: African/African-American, 0.004%; no homozygotes.

Submissions (7):

Labcorp Genetics (formerly Invitae), Labcorp
Classification: Likely benign for Juvenile polyposis syndrome. Last evaluated: 2026-01-20. Review status: criteria provided, single submitter. Criteria: Invitae Variant Classification Sherloc (09022015). Collection method: clinical testing. Allele origin: germline.

Women's Health and Genetics/Laboratory Corporation of America, LabCorp
Classification: Likely benign. Last evaluated: 2025-04-16. Review status: criteria provided, single submitter. Criteria: LabCorp Variant Classification Summary - May 2015. Collection method: clinical testing. Allele origin: germline.

Myriad Genetics, Inc.
Classification: Likely benign for Juvenile polyposis syndrome. Last evaluated: 2024-08-05. Review status: criteria provided, single submitter. Criteria: Myriad Autosomal Dominant, Autosomal Recessive and X-Linked Classification Criteria (2023). Collection method: clinical testing. Allele origin: unknown.
Comment: This variant is considered likely benign. This variant is intronic and is not expected to impact mRNA splicing.

GeneDx
Classification: Uncertain significance. Last evaluated: 2024-07-07. Review status: criteria provided, single submitter. Criteria: GeneDx Variant Classification Process June 2021. Collection method: clinical testing. Allele origin: germline. Affected: yes.
Comment: Not observed at significant frequency in large population cohorts (gnomAD); In silico analysis indicates that this variant does not alter splicing; Has not been previously published as pathogenic or benign to our knowledge

All of Us Research Program, National Institutes of Health
Classification: Uncertain significance for Juvenile polyposis syndrome. Last evaluated: 2023-10-02. Review status: criteria provided, single submitter. Criteria: ACMG Guidelines, 2015. Collection method: clinical testing. Allele origin: germline. Inheritance: Autosomal dominant inheritance. Observed: 1 variant allele, 1 heterozygote.
Comment: This variant causes an A to C nucleotide substitution at the -4 position of intron XX of the BMPR1A gene. Splice site prediction tools suggest that this variant may not impact RNA splicing. To our knowledge, functional studies have not been reported for this variant. This variant has not been reported in individuals affected with BMPR1A-related disorders in the literature. This variant has not been identified in the general population by the Genome Aggregation Database (gnomAD). The available evidence is insufficient to determine the role of this variant in disease conclusively. Therefore, this variant is classified as a Variant of Uncertain Significance.

This study involves interpretation of variants in research participants for the purpose of population health screening. Participant phenotype was not available at the time of variant classification. Additional details can be found in publication PMID: 35346344, PMCID: PMC8962531

Color Diagnostics, LLC DBA Color Health
Classification: Uncertain significance for Hereditary cancer-predisposing syndrome. Last evaluated: 2023-09-07. Review status: criteria provided, single submitter. Criteria: ACMG Guidelines, 2015. Collection method: clinical testing. Allele origin: germline.
Comment: This variant causes an A to C nucleotide substitution at the -4 position of intron XX of the BMPR1A gene. Splice site prediction tools suggest that this variant may not impact RNA splicing. To our knowledge, functional studies have not been reported for this variant. This variant has not been reported in individuals affected with BMPR1A-related disorders in the literature. This variant has not been identified in the general population by the Genome Aggregation Database (gnomAD). The available evidence is insufficient to determine the role of this variant in disease conclusively. Therefore, this variant is classified as a Variant of Uncertain Significance.

Ambry Genetics
Classification: Likely benign for Hereditary cancer-predisposing syndrome. Last evaluated: 2022-01-28. Review status: criteria provided, single submitter. Criteria: Ambry Variant Classification Scheme 2023. Collection method: clinical testing. Allele origin: germline.